The following is an entry in ClinVar:

NM_005257.6(GATA6):c.370G>A (p.Ala124Thr)

Gene: GATA6 (GATA binding protein 6; plus strand). Cytogenetic location: 18q11.2.
Variant type: single nucleotide variant.
Coding change: c.370G>A on transcript NM_005257.6 (MANE Select); coding-DNA position 370, G replaced by A.
Protein change: p.Ala124Thr; replaces alanine 124 with threonine.
Molecular consequence: missense variant.
Genome position (GRCh38, 1-based): chr18:22,171,514, G>A. VCF-style: chr18-22171514-G-A. GRCh37 (hg19) VCF-style: chr18-19751475-G-A.
Other names: short protein forms A124T.
Identifiers: ClinVar variation 574628 (VCV000574628.12), dbSNP rs372228686, ClinGen allele CA8908874.

ClinVar aggregate classification (germline): Uncertain significance. Review status: criteria provided, multiple submitters, no conflicts (2 of 4 stars). 2 submissions from 2 submitters: Uncertain significance (2). Last evaluated 2024-10-22.

Conditions:
Atrioventricular septal defect 5 (AVSD5). Identifiers: MedGen C3280939, MONDO:0013769, OMIM 614474.

Allele frequency attached by ClinVar (database versions not stated): gnomAD exomes 0.00001; TOPMed 0.00001; ExAC 0.00003; gnomAD 0.00006; ESP Exome Variant Server 0.00008.
gnomAD v4.1: 11 of 1,603,200 alleles (0.00069%); highest among the groups gnomAD compares: Non-Finnish European, 0.00085%; no homozygotes.

Submissions (2):

Labcorp Genetics (formerly Invitae), Labcorp
Classification: Uncertain significance for Atrioventricular septal defect 5. Last evaluated: 2024-10-22. Review status: criteria provided, single submitter. Criteria: Invitae Variant Classification Sherloc (09022015). Collection method: clinical testing. Allele origin: germline.
Comment: This sequence change replaces alanine, which is neutral and non-polar, with threonine, which is neutral and polar, at codon 124 of the GATA6 protein (p.Ala124Thr). The frequency data for this variant in the population databases is considered unreliable, as metrics indicate poor data quality at this position in the gnomAD database. This variant has not been reported in the literature in individuals affected with GATA6-related conditions. ClinVar contains an entry for this variant (Variation ID: 574628). Invitae Evidence Modeling of protein sequence and biophysical properties (such as structural, functional, and spatial information, amino acid conservation, physicochemical variation, residue mobility, and thermodynamic stability) indicates that this missense variant is not expected to disrupt GATA6 protein function with a negative predictive value of 80%. In summary, the available evidence is currently insufficient to determine the role of this variant in disease. Therefore, it has been classified as a Variant of Uncertain Significance.

ARUP Laboratories, Molecular Genetics and Genomics, ARUP Laboratories
Classification: Uncertain significance. Last evaluated: 2024-09-13. Review status: criteria provided, single submitter. Criteria: ARUP Molecular Germline Variant Investigation Process 2024. Collection method: clinical testing. Allele origin: germline.
Comment: The GATA6 c.370G>A; p.Ala124Thr variant (rs372228686), to our knowledge, is not reported in the medical literature but is reported in ClinVar (Variation ID: 574628). This variant is found in the non-Finnish European population with an allele frequency of 0.003% (4/119156 alleles) in the Genome Aggregation Database (v2.1.1).Computational analyses are uncertain whether this variant is neutral or deleterious (REVEL: 0.322). Due to limited information, the clinical significance of this variant is uncertain at this time.